The following is an entry in ClinVar:

ClinVar aggregate classification (germline): Uncertain significance. Review status: criteria provided, multiple submitters, no conflicts (2 of 4 stars). 2 submissions from 2 submitters: Uncertain significance (2). Last evaluated 2026-01-17.

Conditions:
Brugada syndrome. Also called: Sudden unexplained nocturnal death syndrome; Sudden unexpected nocturnal death syndrome; Sudden Unexplained Death Syndrome; Sudden Unexplained Nocturnal Death Syndrome (SUNDS). Identifiers: Orphanet 130, MedGen C1142166, MONDO:0015263.
Cardiovascular phenotype. Identifiers: MedGen CN230736.

gnomAD v4.1: 1 of 1,614,200 alleles (0.000062%); highest among the groups gnomAD compares: African/African-American, 0.0013%; no homozygotes.

Submissions (2):

Ambry Genetics
Classification: Uncertain significance for Cardiovascular phenotype. Last evaluated: 2026-01-17. Review status: criteria provided, single submitter. Criteria: Ambry Variant Classification Scheme 2023. Collection method: clinical testing. Allele origin: germline.
Comment: The p.T1876N variant (also known as c.5627C>A), located in coding exon 27 of the SCN10A gene, results from a C to A substitution at nucleotide position 5627. The threonine at codon 1876 is replaced by asparagine, an amino acid with similar properties. This amino acid position is conserved. In addition, this alteration is predicted to be tolerated by in silico analysis. Based on the available evidence, the clinical significance of this variant remains unclear.

Labcorp Genetics (formerly Invitae), Labcorp
Classification: Uncertain significance for Brugada syndrome. Last evaluated: 2025-09-08. Review status: criteria provided, single submitter. Criteria: Invitae Variant Classification Sherloc (09022015). Collection method: clinical testing. Allele origin: germline.
Comment: This sequence change replaces threonine, which is neutral and polar, with asparagine, which is neutral and polar, at codon 1876 of the SCN10A protein (p.Thr1876Asn). This variant is not present in population databases (gnomAD no frequency). This variant has not been reported in the literature in individuals affected with SCN10A-related conditions. Invitae Evidence Modeling of protein sequence and biophysical properties (such as structural, functional, and spatial information, amino acid conservation, physicochemical variation, residue mobility, and thermodynamic stability) indicates that this missense variant is not expected to disrupt SCN10A protein function with a negative predictive value of 80%. In summary, the available evidence is currently insufficient to determine the role of this variant in disease. Therefore, it has been classified as a Variant of Uncertain Significance.

NM_006514.4(SCN10A):c.5627C>A (p.Thr1876Asn)

Gene: SCN10A (sodium voltage-gated channel alpha subunit 10; minus strand). Cytogenetic location: 3p22.2.
Variant type: single nucleotide variant.
Coding change: c.5627C>A on transcript NM_006514.4 (MANE Select); coding-DNA position 5627, C replaced by A.
Protein change: p.Thr1876Asn; replaces threonine 1876 with asparagine.
Molecular consequence: missense variant.
Genome position (GRCh38, 1-based): chr3:38,697,593, G>T on the plus strand (C>A on the coding strand, the complement: SCN10A is on the minus strand). VCF-style: chr3-38697593-G-T. GRCh37 (hg19) VCF-style: chr3-38739084-G-T.
Other names: c.5627C>A (NM_006514.2); c.5624C>A, p.Thr1875Asn (NM_001293306.2); c.5333C>A, p.Thr1778Asn (NM_001293307.2); short protein forms T1778N, T1875N, T1876N.
Identifiers: ClinVar variation 4808478 (VCV004808478.2).